The following is an entry in ClinVar:

NM_005188.4(CBL):c.2012A>G (p.Asn671Ser)

Gene: CBL (Cbl proto-oncogene; plus strand). Cytogenetic location: 11q23.3.
Variant type: single nucleotide variant.
Coding change: c.2012A>G on transcript NM_005188.4 (MANE Select); coding-DNA position 2012, A replaced by G.
Protein change: p.Asn671Ser; replaces asparagine 671 with serine.
Molecular consequence: missense variant.
Genome position (GRCh38, 1-based): chr11:119,287,922, A>G. VCF-style: chr11-119287922-A-G. GRCh37 (hg19) VCF-style: chr11-119158632-A-G.
Other names: c.2012A>G (NM_005188.2); short protein forms N671S.
Identifiers: ClinVar variation 1052721 (VCV001052721.9), dbSNP rs760168148, ClinGen allele CA6318651.

ClinVar aggregate classification (germline): Uncertain significance. Review status: criteria provided, multiple submitters, no conflicts (2 of 4 stars). 2 submissions from 2 submitters: Uncertain significance (2). Last evaluated 2025-04-02.

Conditions:
RASopathy. Also called: rasopathies; Noonan spectrum disorder. Identifiers: Orphanet 536391, MedGen C5555857, MONDO:0021060.
Cardiovascular phenotype. Identifiers: MedGen CN230736.

Allele frequency attached by ClinVar (database versions not stated): TOPMed below 0.00001; gnomAD 0.00001; gnomAD exomes 0.00001 and 0.00002; ExAC 0.00002.
gnomAD v4.1: 16 of 1,612,890 alleles (0.00099%); highest among the groups gnomAD compares: South Asian, 0.0066%; no homozygotes.

Submissions (2):

Labcorp Genetics (formerly Invitae), Labcorp
Classification: Uncertain significance for RASopathy. Last evaluated: 2025-04-02. Review status: criteria provided, single submitter. Criteria: Invitae Variant Classification Sherloc (09022015). Collection method: clinical testing. Allele origin: germline.
Comment: This sequence change replaces asparagine, which is neutral and polar, with serine, which is neutral and polar, at codon 671 of the CBL protein (p.Asn671Ser). This variant is present in population databases (rs760168148, gnomAD 0.006%). This variant has not been reported in the literature in individuals affected with CBL-related conditions. ClinVar contains an entry for this variant (Variation ID: 1052721). Invitae Evidence Modeling of protein sequence and biophysical properties (such as structural, functional, and spatial information, amino acid conservation, physicochemical variation, residue mobility, and thermodynamic stability) indicates that this missense variant is not expected to disrupt CBL protein function with a negative predictive value of 95%. In summary, the available evidence is currently insufficient to determine the role of this variant in disease. Therefore, it has been classified as a Variant of Uncertain Significance.

Ambry Genetics
Classification: Uncertain significance for Cardiovascular phenotype. Last evaluated: 2024-12-20. Review status: criteria provided, single submitter. Criteria: Ambry Variant Classification Scheme 2023. Collection method: clinical testing. Allele origin: germline.
Comment: The p.N671S variant (also known as c.2012A>G), located in coding exon 12 of the CBL gene, results from an A to G substitution at nucleotide position 2012. The asparagine at codon 671 is replaced by serine, an amino acid with highly similar properties. This amino acid position is conserved. In addition, this alteration is predicted to be tolerated by in silico analysis. Since supporting evidence is limited at this time, the clinical significance of this alteration remains unclear.